The following is an entry in ClinVar:

NM_001159699.2(FHL1):c.67T>C (p.Cys23Arg)

Gene: FHL1 (four and a half LIM domains 1; plus strand). Cytogenetic location: Xq26.3.
Variant type: single nucleotide variant.
Coding change: c.67T>C on transcript NM_001159699.2 (MANE Select); coding-DNA position 67, T replaced by C.
Protein change: p.Cys23Arg; replaces cysteine 23 with arginine.
Molecular consequence: missense variant. On other transcripts: non-coding transcript variant (1).
Genome position (GRCh38, 1-based): chrX:136,206,451, T>C. VCF-style: chrX-136206451-T-C. GRCh37 (hg19) VCF-style: chrX-135288610-T-C.
Other names: c.19T>C, p.Cys7Arg (NM_001167819.1, NM_001369326.1, NM_001369327.2 and 9 more transcripts); c.67T>C, p.Cys23Arg (NM_001330659.2); c.106T>C, p.Cys36Arg (NM_001159701.2); short protein forms C36R, C23R, C7R.
Identifiers: ClinVar variation 3278818 (VCV003278818.2).

ClinVar aggregate classification (germline): Uncertain significance. Review status: criteria provided, multiple submitters, no conflicts (2 of 4 stars). 2 submissions from 2 submitters: Uncertain significance (2). Last evaluated 2025-11-23.

Conditions:
FHL1-related disorder. Also called: FHL1-related disorders; FHL1-related condition.
Cardiovascular phenotype. Identifiers: MedGen CN230736.

Submissions (2):

3billion
Classification: Uncertain significance for FHL1-related disorder. Last evaluated: 2025-11-23. Review status: criteria provided, single submitter. Criteria: ACMG Guidelines, 2015. Collection method: clinical testing. Allele origin: germline. Affected: yes.
Comment: The variant is not observed in the gnomAD v4.1.0 dataset. Predicted Consequence/Location: Missense variant In silico tool predictions suggest damaging effect of the variant on gene or gene product [REVEL: 0.97 (>=0.6, sensitivity 0.68 and specificity 0.92)]. The variant has been reported as of uncertain significance (ClinVar ID: VCV003278818). Different missense changes at the same codon have been reported as of uncertain significance (ClinVar ID: VCV000939820). Therefore, this variant is classified as VUS according to the recommendation of ACMG/AMP guideline.

Ambry Genetics
Classification: Uncertain significance for Cardiovascular phenotype. Last evaluated: 2024-03-30. Review status: criteria provided, single submitter. Criteria: Ambry Variant Classification Scheme 2023. Collection method: clinical testing. Allele origin: germline.
Comment: The p.C7R variant (also known as c.19T>C), located in coding exon 1 of the FHL1 gene, results from a T to C substitution at nucleotide position 19. The cysteine at codon 7 is replaced by arginine, an amino acid with highly dissimilar properties. This amino acid position is highly conserved in available vertebrate species. In addition, this alteration is predicted to be deleterious by in silico analysis. Based on the available evidence, the clinical significance of this alteration remains unclear.

Literature cited by the submitters: PubMed 25214167 (cited by Ambry Genetics).